The following is an entry in ClinVar:

ClinVar aggregate classification (germline): Pathogenic/Likely pathogenic. Review status: criteria provided, multiple submitters, no conflicts (2 of 4 stars). 4 submissions from 4 submitters: Pathogenic (3); Likely pathogenic (1). Last evaluated 2025-11-21.

Conditions:
COL4A5-related disorders.
X-linked Alport syndrome (ATS1). Also called: COL4A5-Related Nephropathy; NEPHROPATHY AND DEAFNESS, X-LINKED. Identifiers: Orphanet 63, Orphanet 88917, MedGen C4746986, MONDO:0010520, OMIM 301050.

Submissions (5):

Clinical Genetics Laboratory, Skane University Hospital Lund
Classification: Pathogenic for X-linked Alport syndrome. Last evaluated: 2025-11-21. Review status: criteria provided, single submitter. Criteria: ACMG Guidelines, 2015. Collection method: clinical testing. Allele origin: germline. Affected: yes.
Comment: ACMG criteria used: PS4, PM1, PM2, PM5, PP3

Natera, Inc.
Classification: Likely pathogenic for X-linked Alport syndrome. Last evaluated: 2025-04-24. Review status: criteria provided, single submitter. Criteria: Natera Variant Classification Schema (03/2026). Collection method: clinical testing. Allele origin: germline.
Comment: The c.1780G>A variant in COL4A5 is a missense variant predicted to cause substitution of glycine to serine at amino acid 594. This variant is rare in the general population with a frequency below the threshold expected for the associated phenotype(s). This variant has been observed in affected individual(s) with monoallelic occurrence (heterozygous/hemizygous) (PMID: 40004525). A different variant at the same position has been determined to be Pathogenic or Likely Pathogenic. Computational prediction algorithms indicate this variant is likely to affect gene or protein function. Given the available evidence, this variant is classified as Likely Pathogenic.

Fulgent Genetics
Classification: Pathogenic for X-linked Alport syndrome. Last evaluated: 2024-02-07. Review status: criteria provided, single submitter. Criteria: ACMG Guidelines, 2015. Collection method: clinical testing. Allele origin: germline.

Blueprint Genetics
Classification: Pathogenic for COL4A5-related disorders. Last evaluated: 2021-01-08. Review status: criteria provided, single submitter. Criteria: ACMG Guidelines, 2015. Collection method: clinical testing. Allele origin: germline. Affected: yes. Observed: 2 variant alleles.

Dr. Peter K. Rogan Lab, Western University
No classification provided (evidence only). Condition: Nonpapillary renal cell carcinoma. Review status: no classification provided. Collection method: in vitro. Allele origin: not applicable. Functional consequence: retained intron. Not counted in ClinVar's aggregate classification.

Literature cited by the submitters: PubMed 40004525 (cited by Natera, Inc.).

NM_033380.3(COL4A5):c.1780G>A (p.Gly594Ser)

Gene: COL4A5 (collagen type IV alpha 5 chain; plus strand). Cytogenetic location: Xq22.3.
Variant type: single nucleotide variant.
Coding change: c.1780G>A on transcript NM_033380.3 (MANE Select); coding-DNA position 1780, G replaced by A.
Protein change: p.Gly594Ser; replaces glycine 594 with serine.
Molecular consequence: missense variant.
Genome position (GRCh38, 1-based): chrX:108,598,702, G>A. VCF-style: chrX-108598702-G-A. GRCh37 (hg19) VCF-style: chrX-107841932-G-A.
Other names: NC_000023.10:g.107841932G>A; c.1780G>A, p.Gly594Ser (NM_000495.5); c.1780G>A (NM_000495.4); short protein forms G594S.
Identifiers: ClinVar variation 3597905 (VCV003597905.6), dbSNP rs104886131.